The following is an entry in ClinVar:

ClinVar aggregate classification (germline): Pathogenic (1 of 4 stars; one submission).

Conditions:
Chédiak-Higashi syndrome (CHS). Also called: Chediak-Higashi Syndrome. Identifiers: Orphanet 167, MedGen C0007965, MONDO:0008963, OMIM 214500.

Submission:

Labcorp Genetics (formerly Invitae), Labcorp
Classification: Pathogenic for Chédiak-Higashi syndrome. Last evaluated: 2024-08-31. Review status: criteria provided, single submitter. Criteria: Invitae Variant Classification Sherloc (09022015). Collection method: clinical testing. Allele origin: germline.
Comment: This sequence change creates a premature translational stop signal (p.Leu82Profs*16) in the LYST gene. It is expected to result in an absent or disrupted protein product. Loss-of-function variants in LYST are known to be pathogenic (PMID: 9215679, 11857544). This variant is not present in population databases (gnomAD no frequency). This variant has not been reported in the literature in individuals affected with LYST-related conditions. For these reasons, this variant has been classified as Pathogenic.

Literature cited by the submitters: PubMed 9215679; PubMed 11857544.

NM_000081.4(LYST):c.244dup (p.Leu82fs)

Gene: LYST (lysosomal trafficking regulator; minus strand). Cytogenetic location: 1q42.3.
Variant type: Duplication.
Coding change: c.244dup on transcript NM_000081.4 (MANE Select); coding-DNA position 244, one base duplicated (C; older notation c.244dupC).
Protein change: p.Leu82fs; shifts the reading frame from leucine 82.
Molecular consequence: frameshift variant.
Genome position (GRCh38, 1-based): chr1:235,813,010, G duplicated on the plus strand (C on the coding strand, the reverse complement: LYST is on the minus strand). VCF-style (leftmost placement, unchanged base first): chr1-235813009-A-AG. GRCh37 (hg19) VCF-style: chr1-235976309-A-AG.
Other names: c.244dup, p.Leu82fs (NM_001301365.1); short protein forms L82fs.
Identifiers: ClinVar variation 2830184 (VCV002830184.3), dbSNP rs1673628520, ClinGen allele CA1013612000.